The following is an entry in ClinVar:

ClinVar aggregate classification (germline): Uncertain significance. Review status: criteria provided, multiple submitters, no conflicts (2 of 4 stars). 2 submissions from 2 submitters: Uncertain significance (2). Last evaluated 2025-07-06.

Conditions:
Intellectual developmental disorder, autosomal dominant 1. Also called: Intellectual disability, autosomal dominant 1; MBD5 Haploinsufficiency. Identifiers: Orphanet 228402, MedGen C1969562, MONDO:0007974, OMIM 156200.

Allele frequency attached by ClinVar (database versions not stated): gnomAD 0.00001 and 0.00003; TOPMed 0.00002.

Submissions (2):

Labcorp Genetics (formerly Invitae), Labcorp
Classification: Uncertain significance for Intellectual developmental disorder, autosomal dominant 1. Last evaluated: 2025-07-06. Review status: criteria provided, single submitter. Criteria: Invitae Variant Classification Sherloc (09022015). Collection method: clinical testing. Allele origin: germline.
Comment: This sequence change replaces arginine, which is basic and polar, with cysteine, which is neutral and slightly polar, at codon 215 of the MBD5 protein (p.Arg215Cys). This variant is present in population databases (rs777516937, gnomAD 0.004%). This variant has not been reported in the literature in individuals affected with MBD5-related conditions. ClinVar contains an entry for this variant (Variation ID: 808808). Invitae Evidence Modeling of protein sequence and biophysical properties (such as structural, functional, and spatial information, amino acid conservation, physicochemical variation, residue mobility, and thermodynamic stability) indicates that this missense variant is not expected to disrupt MBD5 protein function with a negative predictive value of 80%. In summary, the available evidence is currently insufficient to determine the role of this variant in disease. Therefore, it has been classified as a Variant of Uncertain Significance.

CeGaT Center for Human Genetics Tuebingen
Classification: Uncertain significance. Last evaluated: 2019-04-01. Review status: criteria provided, single submitter. Criteria: CeGaT Center For Human Genetics Tuebingen Variant Classification Criteria Version 2. Collection method: clinical testing. Allele origin: germline. Affected: yes. Observed: 1 variant allele.

NM_001378120.1(MBD5):c.643C>T (p.Arg215Cys)

Gene: MBD5 (methyl-CpG binding domain protein 5; plus strand). Cytogenetic location: 2q23.1.
Variant type: single nucleotide variant.
Coding change: c.643C>T on transcript NM_001378120.1 (MANE Select); coding-DNA position 643, C replaced by T.
Protein change: p.Arg215Cys; replaces arginine 215 with cysteine.
Molecular consequence: missense variant.
Genome position (GRCh38, 1-based): chr2:148,468,586, C>T. VCF-style: chr2-148468586-C-T. GRCh37 (hg19) VCF-style: chr2-149226155-C-T.
Other names: c.643C>T, p.Arg215Cys (NM_018328.5); short protein forms R215C.
Identifiers: ClinVar variation 808808 (VCV000808808.45), dbSNP rs777516937, ClinGen allele CA1899908.